The following is an entry in ClinVar:

NM_000540.3(RYR1):c.12727G>A (p.Glu4243Lys)

Gene: RYR1 (ryanodine receptor 1; plus strand). Cytogenetic location: 19q13.2.
Variant type: single nucleotide variant.
Coding change: c.12727G>A on transcript NM_000540.3 (MANE Select); coding-DNA position 12727, G replaced by A.
Protein change: p.Glu4243Lys; replaces glutamic acid 4243 with lysine.
Molecular consequence: missense variant.
Genome position (GRCh38, 1-based): chr19:38,565,061, G>A. VCF-style: chr19-38565061-G-A. GRCh37 (hg19) VCF-style: chr19-39055701-G-A.
Other names: c.12712G>A, p.Glu4238Lys (NM_001042723.2); short protein forms E4243K, E4238K.
Identifiers: ClinVar variation 544454 (VCV000544454.7), dbSNP rs1555799628, ClinGen allele CA405671017.

ClinVar aggregate classification (germline): Pathogenic/Likely pathogenic. Review status: criteria provided, multiple submitters, no conflicts (2 of 4 stars). 2 submissions from 2 submitters: Pathogenic (1); Likely pathogenic (1). Last evaluated 2023-07-19.

Conditions:
RYR1-related disorder. Also called: RYR1-related condition; RYR1-related disorders. Identifiers: MedGen CN239331.

Submissions (2):

Labcorp Genetics (formerly Invitae), Labcorp
Classification: Pathogenic for RYR1-related disorder. Last evaluated: 2023-07-19. Review status: criteria provided, single submitter. Criteria: Invitae Variant Classification Sherloc (09022015). Collection method: clinical testing. Allele origin: germline.
Comment: This sequence change replaces glutamic acid, which is acidic and polar, with lysine, which is basic and polar, at codon 4243 of the RYR1 protein (p.Glu4243Lys). This variant is not present in population databases (gnomAD no frequency). This missense change has been observed in individual(s) with clinical features of autosomal dominant congenital myopathy (PMID: 25037085, 29792937). In at least one individual the variant was observed to be de novo. ClinVar contains an entry for this variant (Variation ID: 544454). Advanced modeling of protein sequence and biophysical properties (such as structural, functional, and spatial information, amino acid conservation, physicochemical variation, residue mobility, and thermodynamic stability) performed at Invitae indicates that this missense variant is expected to disrupt RYR1 protein function. For these reasons, this variant has been classified as Pathogenic.

PreventionGenetics, part of Exact Sciences
Classification: Likely pathogenic. Last evaluated: 2013-10-29. Review status: criteria provided, single submitter. Criteria: ACMG Guidelines, 2015. Collection method: clinical testing. Allele origin: germline.

Literature cited by the submitters: PubMed 25037085 (cited by Labcorp Genetics (formerly Invitae), Labcorp); PubMed 29792937 (cited by Labcorp Genetics (formerly Invitae), Labcorp).